The following is an entry in ClinVar:

NM_001306080.2(LMO7):c.3582+10del

Gene: LMO7 (LIM domain 7; plus strand). Cytogenetic location: 13q22.2.
Variant type: Deletion.
Coding change: c.3582+10del on transcript NM_001306080.2 (MANE Select); 10 bases into the intron after coding-DNA position 3582, one base deleted (G; older notation c.3582+10delG).
Molecular consequence: intron variant.
Genome position (GRCh38, 1-based): chr13:75,840,505, G deleted; the last of 2 consecutive G bases (chr13:75,840,504-75,840,505); deleting either gives the same sequence. VCF-style (leftmost placement, unchanged base first): chr13-75840503-TG-T. GRCh37 (hg19) VCF-style: chr13-76414639-TG-T.
Other names: c.2736+10del (NM_005358.5); c.3456+10del (NM_001366633.2); c.2883+10del (NM_001330583.1, NM_001366632.2, NM_015842.2); c.2601+10del (NM_001366636.2, NM_001366634.2).
Identifiers: ClinVar variation 3351873 (VCV003351873.1).
Genomic context (GRCh38, chr13:75,840,503, plus strand): 5'-AGGAGCGGAAGCGGCAGGAGAGGTGGCAGAAGGAGCAGGACCGCCTACTGCAGGTAGCTC[TG>T]GCTCACGTGGACGGGTAGAAACTAGGTTGGATTTCACGGCTTTTCTCCAGTCTGTCAACC-3'

ClinVar aggregate classification (germline): Likely benign (0 of 4 stars; one submission).

Conditions:
LMO7-related disorder. Also called: LMO7-related condition.

Submission:

PreventionGenetics, part of Exact Sciences
Classification: Likely benign for LMO7-related condition. Last evaluated: 2024-09-19. Review status: no assertion criteria provided. Collection method: clinical testing. Allele origin: germline.
Comment: This variant is classified as likely benign based on ACMG/AMP sequence variant interpretation guidelines (Richards et al. 2015 PMID: 25741868, with internal and published modifications).